The following is an entry in ClinVar:

NM_173598.6(KSR2):c.2847-7A>G

Gene: KSR2 (kinase suppressor of ras 2; minus strand). Cytogenetic location: 12q24.22.
Variant type: single nucleotide variant.
Coding change: c.2847-7A>G on transcript NM_173598.6 (MANE Select); 7 bases into the intron before coding-DNA position 2847, A replaced by G.
Molecular consequence: intron variant.
Genome position (GRCh38, 1-based): chr12:117,467,212, T>C on the plus strand (A>G on the coding strand, the complement: KSR2 is on the minus strand). VCF-style: chr12-117467212-T-C. GRCh37 (hg19) VCF-style: chr12-117905017-T-C.
Identifiers: ClinVar variation 3352669 (VCV003352669.1).

ClinVar aggregate classification (germline): Likely benign (0 of 4 stars; one submission).

Conditions:
KSR2-related disorder. Also called: KSR2-related condition.

gnomAD v4.1: 22 of 724,924 alleles (0.003%); highest among the groups gnomAD compares: African/African-American, 0.0054%; no homozygotes.

Submission:

PreventionGenetics, part of Exact Sciences
Classification: Likely benign for KSR2-related condition. Last evaluated: 2020-08-03. Review status: no assertion criteria provided. Collection method: clinical testing. Allele origin: germline.
Comment: This variant is classified as likely benign based on ACMG/AMP sequence variant interpretation guidelines (Richards et al. 2015 PMID: 25741868, with internal and published modifications).